The following is an entry in ClinVar:

NM_020366.4(RPGRIP1):c.2441G>A (p.Arg814Gln)

Gene: RPGRIP1 (RPGR interacting protein 1; plus strand). Cytogenetic location: 14q11.2.
Variant type: single nucleotide variant.
Coding change: c.2441G>A on transcript NM_020366.4 (MANE Select); coding-DNA position 2441, G replaced by A.
Protein change: p.Arg814Gln; replaces arginine 814 with glutamine.
Molecular consequence: missense variant. On other transcripts: intron variant (4).
Genome position (GRCh38, 1-based): chr14:21,325,904, G>A. VCF-style: chr14-21325904-G-A. GRCh37 (hg19) VCF-style: chr14-21794063-G-A.
Other names: c.2441G>A (NM_020366.3); c.1367G>A, p.Arg456Gln (NM_001377948.1); c.796+1179G>A (NM_001377949.1); c.689-1719G>A (NM_001377523.1, NM_001377950.1); c.191-1719G>A (NM_001377951.1); short protein forms R814Q, R456Q.
Identifiers: ClinVar variation 2193762 (VCV002193762.3), dbSNP rs372647080, ClinGen allele CA388868973.

ClinVar aggregate classification (germline): Uncertain significance. Review status: criteria provided, multiple submitters, no conflicts (2 of 4 stars). 3 submissions from 3 submitters: Uncertain significance (3). Last evaluated 2024-03-18.

Conditions:
Leber congenital amaurosis 6 (LCA6). Identifiers: Orphanet 65, MedGen C1854260, MONDO:0013446, OMIM 613826.
Cone-rod dystrophy 13 (CORD13). Identifiers: Orphanet 1872, MedGen C2750720, MONDO:0011987, OMIM 608194.
Inborn genetic diseases. Identifiers: MedGen C0950123, MeSH D030342.

gnomAD v4.1: 22 of 1,613,894 alleles (0.0014%); highest among the groups gnomAD compares: South Asian, 0.0022%; no homozygotes.

Submissions (3):

Blueprint Genetics
Classification: Uncertain significance. Last evaluated: 2024-03-18. Review status: criteria provided, single submitter. Criteria: ACMG Guidelines, 2015. Collection method: clinical testing. Allele origin: germline.

Labcorp Genetics (formerly Invitae), Labcorp
Classification: Uncertain significance for Leber congenital amaurosis 6; Cone-rod dystrophy 13. Last evaluated: 2022-07-20. Review status: criteria provided, single submitter. Criteria: Invitae Variant Classification Sherloc (09022015). Collection method: clinical testing. Allele origin: germline.
Comment: This sequence change replaces arginine, which is basic and polar, with glutamine, which is neutral and polar, at codon 814 of the RPGRIP1 protein (p.Arg814Gln). This variant is not present in population databases (gnomAD no frequency). This variant has not been reported in the literature in individuals affected with RPGRIP1-related conditions. Algorithms developed to predict the effect of missense changes on protein structure and function output the following: SIFT: "Tolerated"; PolyPhen-2: "Benign"; Align-GVGD: "Class C0". The glutamine amino acid residue is found in multiple mammalian species, which suggests that this missense change does not adversely affect protein function. In summary, the available evidence is currently insufficient to determine the role of this variant in disease. Therefore, it has been classified as a Variant of Uncertain Significance.

Ambry Genetics
Classification: Uncertain significance for Inborn genetic diseases. Last evaluated: 2021-11-30. Review status: criteria provided, single submitter. Criteria: Ambry Variant Classification Scheme 2023. Collection method: clinical testing. Allele origin: germline.